The following is an entry in ClinVar:

NM_003900.5(SQSTM1):c.1166-2A>G

Gene: SQSTM1 (sequestosome 1; plus strand). Cytogenetic location: 5q35.3.
Variant type: single nucleotide variant.
Coding change: c.1166-2A>G on transcript NM_003900.5 (MANE Select); the canonical splice acceptor site of the intron before coding-DNA position 1166, A replaced by G.
Molecular consequence: splice acceptor variant.
Genome position (GRCh38, 1-based): chr5:179,836,434, A>G. VCF-style: chr5-179836434-A-G. GRCh37 (hg19) VCF-style: chr5-179263434-A-G.
Other names: c.914-2A>G (NM_001142298.2, NM_001142299.2).
Identifiers: ClinVar variation 1906933 (VCV001906933.7), dbSNP rs2480264648, ClinGen allele CA362453565.

ClinVar aggregate classification (germline): Conflicting classifications of pathogenicity. Review status: criteria provided, conflicting classifications (1 of 4 stars). 2 submissions from 2 submitters: Likely pathogenic (1); Uncertain significance (1). Last evaluated 2026-03-24.

Conditions:
Frontotemporal dementia and/or amyotrophic lateral sclerosis 1 (FTDALS1). Also called: Frontotemporal dementia with motor neuron disease 1; C9orf72 Frontotemporal Dementia and/or Amyotrophic Lateral Sclerosis. Identifiers: Orphanet 275872, MedGen C5779877, MONDO:0007105, OMIM 105550.
Paget disease of bone 2, early-onset (PDB2). Also called: Paget disease of bone 2. Identifiers: MedGen C4085251, MONDO:0011183, OMIM 602080.

Allele frequency attached by ClinVar (database versions not stated): gnomAD exomes below 0.00001.
gnomAD v4.1: 4 of 1,614,202 alleles (0.00025%); highest among the groups gnomAD compares: Non-Finnish European, 0.00034%; no homozygotes.

Submissions (2):

GeneDx
Classification: Likely pathogenic. Last evaluated: 2026-03-24. Review status: criteria provided, single submitter. Criteria: GeneDx Variant Classification Process June 2021. Collection method: clinical testing. Allele origin: germline.
Comment: Canonical splice site variant predicted to result in loss of the adjacent exon in a gene for which loss of function is a known mechanism of disease; Not observed at significant frequency in large population cohorts (gnomAD); This variant is associated with the following publications: (PMID: 34307757)

Labcorp Genetics (formerly Invitae), Labcorp
Classification: Uncertain significance for Paget disease of bone 2, early-onset; Frontotemporal dementia and/or amyotrophic lateral sclerosis 1. Last evaluated: 2023-03-17. Review status: criteria provided, single submitter. Criteria: Invitae Variant Classification Sherloc (09022015). Collection method: clinical testing. Allele origin: germline.
Comment: In summary, the available evidence is currently insufficient to determine the role of this variant in disease. Therefore, it has been classified as a Variant of Uncertain Significance. Variants that disrupt the consensus splice site are a relatively common cause of aberrant splicing (PMID: 17576681, 9536098). Algorithms developed to predict the effect of sequence changes on RNA splicing suggest that this variant may disrupt the consensus splice site. ClinVar contains an entry for this variant (Variation ID: 1906933). Disruption of this splice site has been observed in individual(s) with autosomal dominant SQSTM1-related conditions (PMID: 34307757). This variant is not present in population databases (gnomAD no frequency). This sequence change affects an acceptor splice site in intron 7 of the SQSTM1 gene. While this variant is not anticipated to result in nonsense mediated decay, it likely alters RNA splicing and results in a disrupted protein product.

Literature cited by the submitters: PubMed 17576681 (cited by Labcorp Genetics (formerly Invitae), Labcorp); PubMed 9536098 (cited by Labcorp Genetics (formerly Invitae), Labcorp); PubMed 34307757 (cited by Labcorp Genetics (formerly Invitae), Labcorp).